The following is an entry in ClinVar:

NM_006231.4(POLE):c.2239T>C (p.Cys747Arg)

Gene: POLE (DNA polymerase epsilon, catalytic subunit; minus strand). Cytogenetic location: 12q24.33.
Variant type: single nucleotide variant.
Coding change: c.2239T>C on transcript NM_006231.4 (MANE Select); coding-DNA position 2239, T replaced by C.
Protein change: p.Cys747Arg; replaces cysteine 747 with arginine.
Molecular consequence: missense variant.
Genome position (GRCh38, 1-based): chr12:132,667,583, A>G on the plus strand (T>C on the coding strand, the complement: POLE is on the minus strand). VCF-style: chr12-132667583-A-G. GRCh37 (hg19) VCF-style: chr12-133244169-A-G.
Other names: short protein forms C747R.
Identifiers: ClinVar variation 965467 (VCV000965467.9), dbSNP rs2042825283, ClinGen allele CA387352238.

ClinVar aggregate classification (germline): Uncertain significance (1 of 4 stars; one submission).

Submission:

Labcorp Genetics (formerly Invitae), Labcorp
Classification: Uncertain significance. Last evaluated: 2023-01-14. Review status: criteria provided, single submitter. Criteria: Invitae Variant Classification Sherloc (09022015). Collection method: clinical testing. Allele origin: germline.
Comment: This variant is not present in population databases (gnomAD no frequency). This sequence change replaces cysteine, which is neutral and slightly polar, with arginine, which is basic and polar, at codon 747 of the POLE protein (p.Cys747Arg). ClinVar contains an entry for this variant (Variation ID: 965467). This variant has not been reported in the literature in individuals affected with POLE-related conditions. In summary, the available evidence is currently insufficient to determine the role of this variant in disease. Therefore, it has been classified as a Variant of Uncertain Significance. Advanced modeling of protein sequence and biophysical properties (such as structural, functional, and spatial information, amino acid conservation, physicochemical variation, residue mobility, and thermodynamic stability) performed at Invitae indicates that this missense variant is expected to disrupt POLE protein function.